The following is an entry in ClinVar:

NM_000443.4(ABCB4):c.762del (p.Val255fs)

Gene: ABCB4 (ATP binding cassette subfamily B member 4; minus strand). Cytogenetic location: 7q21.12.
Variant type: Deletion.
Coding change: c.762del on transcript NM_000443.4 (MANE Select); coding-DNA position 762, one base deleted (C; older notation c.762delC).
Protein change: p.Val255fs; shifts the reading frame from valine 255.
Molecular consequence: frameshift variant.
Genome position (GRCh38, 1-based): chr7:87,450,039, G deleted on the plus strand (C on the coding strand, the reverse complement: ABCB4 is on the minus strand); the first of 2 consecutive G bases (chr7:87,450,039-87,450,040); deleting either gives the same sequence. VCF-style (leftmost placement, unchanged base first): chr7-87450038-CG-C. GRCh37 (hg19) VCF-style: chr7-87079354-CG-C.
Other names: c.762del, p.Val255fs (NM_018849.3, NM_018850.3); c.762delC (NM_000443.3); short protein forms V255fs.
Identifiers: ClinVar variation 2445739 (VCV002445739.1), dbSNP rs2546854192, ClinGen allele CA2580077432.

ClinVar aggregate classification (germline): Likely pathogenic (1 of 4 stars; one submission).

Conditions:
Progressive familial intrahepatic cholestasis (PFIC). Also called: Progressive family intrahepatic cholestasis; Progressive intrahepatic cholestasis. Identifiers: Orphanet 172, MedGen C0268312, MONDO:0015762.

Submission:

Women's Health and Genetics/Laboratory Corporation of America, LabCorp
Classification: Likely pathogenic for Progressive familial intrahepatic cholestasis. Last evaluated: 2023-02-07. Review status: criteria provided, single submitter. Criteria: LabCorp Variant Classification Summary - May 2015. Collection method: clinical testing. Allele origin: germline.
Comment: Variant summary: ABCB4 c.762delC (p.Val255TrpfsX12) results in a premature termination codon, predicted to cause a truncation of the encoded protein or absence of the protein due to nonsense mediated decay, which are commonly known mechanisms for disease. Truncations downstream of this position have been associated with Familial Intrahepatic Cholestasis in HGMD and are classified as pathogenic in ClinVar. The variant was absent in 251172 control chromosomes. To our knowledge, no occurrence of c.762delC in individuals affected with Familial Intrahepatic Cholestasis and no experimental evidence demonstrating its impact on protein function have been reported. No clinical diagnostic laboratories have submitted clinical-significance assessments for this variant to ClinVar after 2014. Based on the evidence outlined above, the variant was classified as likely pathogenic.